The following is an entry in ClinVar:

NM_000352.6(ABCC8):c.503G>C (p.Arg168Pro)

Gene: ABCC8 (ATP binding cassette subfamily C member 8; minus strand). Cytogenetic location: 11p15.1.
Variant type: single nucleotide variant.
Coding change: c.503G>C on transcript NM_000352.6 (MANE Select); coding-DNA position 503, G replaced by C.
Protein change: p.Arg168Pro; replaces arginine 168 with proline.
Molecular consequence: missense variant. On other transcripts: non-coding transcript variant (1).
Genome position (GRCh38, 1-based): chr11:17,463,514, C>G on the plus strand (G>C on the coding strand, the complement: ABCC8 is on the minus strand). VCF-style: chr11-17463514-C-G. GRCh37 (hg19) VCF-style: chr11-17485061-C-G.
Other names: c.503G>C, p.Arg168Pro (NM_001287174.3, NM_001351295.2, NM_001351296.2 and 1 more transcripts); short protein forms R168P.
Identifiers: ClinVar variation 1479920 (VCV001479920.6), dbSNP rs1002070797, ClinGen allele CA379780007.

ClinVar aggregate classification (germline): Likely pathogenic (1 of 4 stars; one submission).

Submission:

Labcorp Genetics (formerly Invitae), Labcorp
Classification: Likely pathogenic. Last evaluated: 2021-08-30. Review status: criteria provided, single submitter. Criteria: Invitae Variant Classification Sherloc (09022015). Collection method: clinical testing. Allele origin: germline.
Comment: This sequence change replaces arginine with proline at codon 168 of the ABCC8 protein (p.Arg168Pro). The arginine residue is moderately conserved and there is a moderate physicochemical difference between arginine and proline. This variant is not present in population databases (ExAC no frequency). In summary, the currently available evidence indicates that the variant is pathogenic, but additional data are needed to prove that conclusively. Therefore, this variant has been classified as Likely Pathogenic. This variant disrupts the p.Arg168 amino acid residue in ABCC8. Other variant(s) that disrupt this residue have been determined to be pathogenic (PMID: 17378627, 22796691, 27573238, 31479591). This suggests that this residue is clinically significant, and that variants that disrupt this residue are likely to be disease-causing. Advanced modeling of protein sequence and biophysical properties (such as structural, functional, and spatial information, amino acid conservation, physicochemical variation, residue mobility, and thermodynamic stability) performed at Invitae indicates that this missense variant is expected to disrupt ABCC8 protein function. This variant has not been reported in the literature in individuals affected with ABCC8-related conditions.

Literature cited by the submitters: PubMed 17378627; PubMed 22796691; PubMed 27573238; PubMed 31479591.